The following is an entry in ClinVar:

ClinVar aggregate classification (germline): Likely benign. Review status: criteria provided, multiple submitters, no conflicts (2 of 4 stars). 4 submissions from 4 submitters: Likely benign (4). Last evaluated 2025-12-24.

Conditions:
Cardiovascular phenotype. Identifiers: MedGen CN230736.
Andersen Tawil syndrome (LQT7). Also called: Andersen Syndrome; PERIODIC PARALYSIS, POTASSIUM-SENSITIVE CARDIODYSRHYTHMIC TYPE; ANDERSEN CARDIODYSRHYTHMIC PERIODIC PARALYSIS; Potassium-sensitive periodic paralysis, ventricular ectopy, and dysmorphic features; LONG QT SYNDROME 7. Identifiers: Orphanet 37553, MedGen C1563715, MONDO:0008222, OMIM 170390.
Short QT syndrome type 3. Identifiers: Orphanet 51083, MedGen C1865018, MONDO:0012314, OMIM 609622.

Allele frequency attached by ClinVar (database versions not stated): gnomAD exomes 0.00002 and 0.00004; TOPMed 0.00003; gnomAD 0.00004 and 0.00003; ESP Exome Variant Server 0.00008.
gnomAD v4.1: 32 of 1,613,772 alleles (0.002%); highest among the groups gnomAD compares: Middle Eastern, 0.016%; no homozygotes.

Submissions (4):

Labcorp Genetics (formerly Invitae), Labcorp
Classification: Likely benign for Short QT syndrome type 3; Andersen Tawil syndrome. Last evaluated: 2025-12-24. Review status: criteria provided, single submitter. Criteria: Invitae Variant Classification Sherloc (09022015). Collection method: clinical testing. Allele origin: germline.

Blueprint Genetics
Classification: Likely benign. Last evaluated: 2021-02-02. Review status: criteria provided, single submitter. Criteria: ACMG Guidelines, 2015. Collection method: clinical testing. Allele origin: germline.

Ambry Genetics
Classification: Likely benign for Cardiovascular phenotype. Last evaluated: 2020-08-10. Review status: criteria provided, single submitter. Criteria: Ambry Variant Classification Scheme 2023. Collection method: clinical testing. Allele origin: germline.

GeneDx
Classification: Likely benign. Last evaluated: 2017-03-10. Review status: criteria provided, single submitter. Criteria: GeneDx Variant Classification (06012015). Collection method: clinical testing. Allele origin: germline. Affected: yes.
Comment: This variant is considered likely benign or benign based on one or more of the following criteria: it is a conservative change, it occurs at a poorly conserved position in the protein, it is predicted to be benign by multiple in silico algorithms, and/or has population frequency not consistent with disease.

NM_000891.3(KCNJ2):c.1164C>T (p.Asp388=)

Gene: KCNJ2 (potassium inwardly rectifying channel subfamily J member 2; plus strand). Cytogenetic location: 17q24.3.
Variant type: single nucleotide variant.
Coding change: c.1164C>T on transcript NM_000891.3 (MANE Select); coding-DNA position 1164, C replaced by T.
Protein change: p.Asp388=; no amino-acid change (aspartic acid 388 retained).
Molecular consequence: synonymous variant.
Genome position (GRCh38, 1-based): chr17:70,176,203, C>T. VCF-style: chr17-70176203-C-T. GRCh37 (hg19) VCF-style: chr17-68172344-C-T.
Identifiers: ClinVar variation 507893 (VCV000507893.26), dbSNP rs150855087, ClinGen allele CA293702932.